The following is an entry in ClinVar:

NM_144670.6(A2ML1):c.2782T>C (p.Ser928Pro)

Gene: A2ML1 (alpha-2-macroglobulin like 1; plus strand). Cytogenetic location: 12p13.31.
Variant type: single nucleotide variant.
Coding change: c.2782T>C on transcript NM_144670.6 (MANE Select); coding-DNA position 2782, T replaced by C.
Protein change: p.Ser928Pro; replaces serine 928 with proline.
Molecular consequence: missense variant.
Genome position (GRCh38, 1-based): chr12:8,855,526, T>C. VCF-style: chr12-8855526-T-C. GRCh37 (hg19) VCF-style: chr12-9008122-T-C.
Other names: c.1309T>C, p.Ser437Pro (NM_001282424.3); short protein forms S928P, S437P.
Identifiers: ClinVar variation 2078724 (VCV002078724.4), dbSNP rs1418814239, ClinGen allele CA383835585.
Genomic context (GRCh38, chr12:8,855,526, plus strand): 5'-TCCCCATCTTCTATTGTGTCACCTTTTTTTCTGCATCTCACAGGAAAGGTGGCATCTGAA[T>C]CTGTCTCCCTGGAGCTCCCAGTGGACATTGTTCCTGACTCGACCAAGGCTTATGTTACGG-3'
Protein context (NP_653271.3, residues 918-938): LCPKGKVASE[Ser928Pro]VSLELPVDIV

ClinVar aggregate classification (germline): Uncertain significance (1 of 4 stars; one submission).

Allele frequency attached by ClinVar (database versions not stated): gnomAD exomes below 0.00001.
gnomAD v4.1: 4 of 1,614,192 alleles (0.00025%); highest among the groups gnomAD compares: Non-Finnish European, 0.00025%; no homozygotes.

Submission:

Labcorp Genetics (formerly Invitae), Labcorp
Classification: Uncertain significance. Last evaluated: 2022-07-22. Review status: criteria provided, single submitter. Criteria: Invitae Variant Classification Sherloc (09022015). Collection method: clinical testing. Allele origin: germline.
Comment: In summary, the available evidence is currently insufficient to determine the role of this variant in disease. Therefore, it has been classified as a Variant of Uncertain Significance. Algorithms developed to predict the effect of missense changes on protein structure and function (SIFT, PolyPhen-2, Align-GVGD) all suggest that this variant is likely to be tolerated. This variant has not been reported in the literature in individuals affected with A2ML1-related conditions. This variant is present in population databases (no rsID available, gnomAD 0.0009%). This sequence change replaces serine, which is neutral and polar, with proline, which is neutral and non-polar, at codon 928 of the A2ML1 protein (p.Ser928Pro).